The following is an entry in ClinVar:

NM_001735.3(C5):c.1352G>T (p.Gly451Val)

Gene: C5 (complement C5; minus strand). Cytogenetic location: 9q33.2.
Variant type: single nucleotide variant.
Coding change: c.1352G>T on transcript NM_001735.3 (MANE Select); coding-DNA position 1352, G replaced by T.
Protein change: p.Gly451Val; replaces glycine 451 with valine.
Molecular consequence: missense variant.
Genome position (GRCh38, 1-based): chr9:121,020,130, C>A on the plus strand (G>T on the coding strand, the complement: C5 is on the minus strand). VCF-style: chr9-121020130-C-A. GRCh37 (hg19) VCF-style: chr9-123782408-C-A.
Other names: c.1370G>T, p.Gly457Val (NM_001317163.2); c.1352G>T, p.Gly451Val (NM_001317164.2); short protein forms G451V, G457V.
Identifiers: ClinVar variation 2198063 (VCV002198063.3), dbSNP rs56188613, ClinGen allele CA5218090.

ClinVar aggregate classification (germline): Uncertain significance. Review status: criteria provided, multiple submitters, no conflicts (2 of 4 stars). 2 submissions from 2 submitters: Uncertain significance (2). Last evaluated 2025-08-20.

Allele frequency attached by ClinVar (database versions not stated): TOPMed 0.00002; gnomAD 0.00005; ExAC 0.00006; 1000 Genomes Project 30x 0.00078; 1000 Genomes Project 0.00100.
gnomAD v4.1: 229 of 1,614,002 alleles (0.014%); highest among the groups gnomAD compares: East Asian, 0.5%; 7 homozygotes.

Submissions (2):

Ambry Genetics
Classification: Uncertain significance. Last evaluated: 2025-08-20. Review status: criteria provided, single submitter. Criteria: Ambry Variant Classification Scheme 2023. Collection method: clinical testing. Allele origin: germline.

Labcorp Genetics (formerly Invitae), Labcorp
Classification: Uncertain significance. Last evaluated: 2022-05-04. Review status: criteria provided, single submitter. Criteria: Invitae Variant Classification Sherloc (09022015). Collection method: clinical testing. Allele origin: germline.
Comment: This variant is present in population databases (rs56188613, gnomAD 0.06%). In summary, the available evidence is currently insufficient to determine the role of this variant in disease. Therefore, it has been classified as a Variant of Uncertain Significance. Algorithms developed to predict the effect of missense changes on protein structure and function output the following: SIFT: "Tolerated"; PolyPhen-2: "Benign"; Align-GVGD: "Class C0". The valine amino acid residue is found in multiple mammalian species, which suggests that this missense change does not adversely affect protein function. This variant has not been reported in the literature in individuals affected with C5-related conditions. This sequence change replaces glycine, which is neutral and non-polar, with valine, which is neutral and non-polar, at codon 451 of the C5 protein (p.Gly451Val).